The following is an entry in ClinVar:

ClinVar aggregate classification (germline): Uncertain significance (1 of 4 stars; one submission).

Conditions:
Megaconial type congenital muscular dystrophy (MDCMC). Also called: CHKB-Related Muscle Diseases; MUSCULAR DYSTROPHY, CONGENITAL, WITH MITOCHONDRIAL STRUCTURAL ABNORMALITIES; CHKB-Related Muscular Dystrophy. Identifiers: Orphanet 280671, MedGen C1865233, MONDO:0011246, OMIM 602541.

Submission:

Labcorp Genetics (formerly Invitae), Labcorp
Classification: Uncertain significance for Megaconial type congenital muscular dystrophy. Last evaluated: 2020-12-01. Review status: criteria provided, single submitter. Criteria: Invitae Variant Classification Sherloc (09022015). Collection method: clinical testing. Allele origin: germline.
Comment: In summary, the available evidence is currently insufficient to determine the role of this variant in disease. Therefore, it has been classified as a Variant of Uncertain Significance. Algorithms developed to predict the effect of missense changes on protein structure and function (SIFT, PolyPhen-2, Align-GVGD) all suggest that this variant is likely to be tolerated, but these predictions have not been confirmed by published functional studies and their clinical significance is uncertain. This variant has not been reported in the literature in individuals with CHKB-related conditions. This variant is not present in population databases (ExAC no frequency). This sequence change replaces arginine with proline at codon 35 of the CHKB protein (p.Arg35Pro). The arginine residue is weakly conserved and there is a moderate physicochemical difference between arginine and proline.

NM_005198.5(CHKB):c.104G>C (p.Arg35Pro)

Genes: CHKB (choline kinase beta; minus strand), CHKB-CPT1B (CHKB-CPT1B readthrough (NMD candidate); minus strand). Cytogenetic location: 22q13.33.
Variant type: single nucleotide variant.
Coding change: c.104G>C on transcript NM_005198.5 (MANE Select); coding-DNA position 104, G replaced by C.
Protein change: p.Arg35Pro; replaces arginine 35 with proline.
Molecular consequence: missense variant. On other transcripts: non-coding transcript variant (1).
Genome position (GRCh38, 1-based): chr22:50,582,678, C>G on the plus strand (G>C on the coding strand, the complement: CHKB is on the minus strand). VCF-style: chr22-50582678-C-G. GRCh37 (hg19) VCF-style: chr22-51021107-C-G.
Other names: short protein forms R35P.
Identifiers: ClinVar variation 1517037 (VCV001517037.8), dbSNP rs889845523, ClinGen allele CA412203630.